The following is an entry in ClinVar:

NM_182643.3(DLC1):c.779C>T (p.Thr260Ile)

Gene: DLC1 (DLC1 Rho GTPase activating protein; minus strand). Cytogenetic location: 8p22.
Variant type: single nucleotide variant.
Coding change: c.779C>T on transcript NM_182643.3 (MANE Select); coding-DNA position 779, C replaced by T.
Protein change: p.Thr260Ile; replaces threonine 260 with isoleucine.
Molecular consequence: missense variant. On other transcripts: 5 prime UTR variant (1).
Genome position (GRCh38, 1-based): chr8:13,499,293, G>A on the plus strand (C>T on the coding strand, the complement: DLC1 is on the minus strand). VCF-style: chr8-13499293-G-A. GRCh37 (hg19) VCF-style: chr8-13356802-G-A.
Other names: c.779C>T, p.Thr260Ile (NM_001348081.2, NM_024767.5); c.-673C>T (NM_001348082.2); short protein forms T260I.
Identifiers: ClinVar variation 1246243 (VCV001246243.12), dbSNP rs3816747, ClinGen allele CA4639403.
Genomic context (GRCh38, chr8:13,499,293, plus strand): 5'-TGCAGAAGGCAGCTTCCAAAATCTGTTTTTAATAATGGCAGTCCTCTGTTTGTGCAAGGA[G>A]TATCCAAGAACTCATTTTGTACTACATTGCAGGTGCTTCTTTCATTTTCATCTTTAGGGG-3'
Protein context (NP_872584.2, residues 250-270): CNVVQNEFLD[Thr260Ile]PCTNRGLPLL

ClinVar aggregate classification (germline): Benign. Review status: criteria provided, multiple submitters, no conflicts (2 of 4 stars). 4 submissions from 4 submitters: Benign (4). Last evaluated 2026-02-04.

Allele frequency attached by ClinVar (database versions not stated): 1000 Genomes Project 0.81510; 1000 Genomes Project 30x 0.81964; gnomAD exomes 0.86865 and 0.91908; TOPMed 0.87118; ExAC 0.87771; gnomAD 0.88743 and 0.89111; ESP Exome Variant Server 0.91012.
gnomAD v4.1: 1,477,774 of 1,614,014 alleles (92%); highest among the groups gnomAD compares: Non-Finnish European, 94%; 680,659 homozygotes.

Submissions (4):

Labcorp Genetics (formerly Invitae), Labcorp
Classification: Benign. Last evaluated: 2026-02-04. Review status: criteria provided, single submitter. Criteria: Invitae Variant Classification Sherloc (09022015). Collection method: clinical testing. Allele origin: germline.

Blueprint Genetics
Classification: Benign. Last evaluated: 2024-11-27. Review status: criteria provided, single submitter. Criteria: ACMG Guidelines, 2015. Collection method: clinical testing. Allele origin: germline.

GeneDx
Classification: Benign. Last evaluated: 2019-06-19. Review status: criteria provided, single submitter. Criteria: GeneDx Variant Classification Process June 2021. Collection method: clinical testing. Allele origin: germline. Affected: yes.
Comment: This variant is associated with the following publications: (PMID: 26095787)

Breakthrough Genomics
Classification: Benign. Review status: criteria provided, single submitter. Criteria: ACMG Guidelines, 2015. Collection method: not provided. Allele origin: germline. Inheritance: Autosomal dominant inheritance. Affected: yes.